The following is an entry in ClinVar:

NM_014254.3(RXYLT1):c.1328_1331del (p.Ser443fs)

Genes: RXYLT1 (ribitol xylosyltransferase 1; plus strand), RXYLT1-AS1 (RXYLT1 antisense RNA 1; minus strand). Cytogenetic location: 12q14.2.
Variant type: Deletion.
Coding change: c.1328_1331del on transcript NM_014254.3 (MANE Select); coding-DNA positions 1328 to 1331, 4 bases deleted (GTTA; older notation c.1328_1331delGTTA).
Protein change: p.Ser443fs; shifts the reading frame from serine 443.
Molecular consequence: frameshift variant.
Genome position (GRCh38, 1-based): chr12:63,809,088-63,809,091, GTTA deleted; deleting any 4 consecutive bases within chr12:63,809,087-63,809,091 gives the same sequence; the c. name uses the placement nearest the transcript's 3' end. VCF-style (leftmost placement, unchanged base first): chr12-63809086-AAGTT-A. GRCh37 (hg19) VCF-style: chr12-64202866-AAGTT-A.
Other names: c.548_551del, p.Ser183fs (NM_001278237.2); short protein forms S183fs, S443fs.
Identifiers: ClinVar variation 1447345 (VCV001447345.6), dbSNP rs2136235452, ClinGen allele CA2573148933.

ClinVar aggregate classification (germline): Uncertain significance (1 of 4 stars; one submission).

Submission:

Labcorp Genetics (formerly Invitae), Labcorp
Classification: Uncertain significance. Last evaluated: 2021-06-24. Review status: criteria provided, single submitter. Criteria: Invitae Variant Classification Sherloc (09022015). Collection method: clinical testing. Allele origin: germline.
Comment: This sequence change results in a frameshift in the RXYLT1 gene (p.Ser443Asnfs*11). While this is not anticipated to result in nonsense mediated decay, it is expected to disrupt the last 1 amino acid(s) of the RXYLT1 protein and extend the protein by 9 additional amino acid residues. This variant is not present in population databases (ExAC no frequency). This variant has not been reported in the literature in individuals with RXYLT1-related conditions. Experimental studies and prediction algorithms are not available or were not evaluated, and the functional significance of this variant is currently unknown. In summary, the available evidence is currently insufficient to determine the role of this variant in disease. Therefore, it has been classified as a Variant of Uncertain Significance.